The following is an entry in ClinVar:

NM_001113378.2(FANCI):c.3354G>T (p.Glu1118Asp)

Gene: FANCI (FA complementation group I; plus strand). Cytogenetic location: 15q26.1.
Variant type: single nucleotide variant.
Coding change: c.3354G>T on transcript NM_001113378.2 (MANE Select); coding-DNA position 3354, G replaced by T.
Protein change: p.Glu1118Asp; replaces glutamic acid 1118 with aspartic acid.
Molecular consequence: missense variant.
Genome position (GRCh38, 1-based): chr15:89,306,011, G>T. VCF-style: chr15-89306011-G-T. GRCh37 (hg19) VCF-style: chr15-89849242-G-T.
Other names: c.3075G>T, p.Glu1025Asp (NM_001376910.1); c.3354G>T, p.Glu1118Asp (NM_001376911.1); c.3174G>T, p.Glu1058Asp (NM_018193.3); short protein forms E1025D, E1058D, E1118D.
Identifiers: ClinVar variation 998519 (VCV000998519.9), dbSNP rs760199293, ClinGen allele CA7723702.

ClinVar aggregate classification (germline): Uncertain significance (1 of 4 stars; one submission).

Conditions:
Fanconi anemia (FA). Also called: Fanconi's anemia. Identifiers: Orphanet 84, MedGen C0015625, MeSH D005199, MONDO:0019391.

Allele frequency attached by ClinVar (database versions not stated): TOPMed below 0.00001; ExAC 0.00002.
gnomAD v4.1: 6 of 1,614,032 alleles (0.00037%); highest among the groups gnomAD compares: Non-Finnish European, 0.00051%; no homozygotes.

Submissions (2):

Labcorp Genetics (formerly Invitae), Labcorp
Classification: Uncertain significance for Fanconi anemia. Last evaluated: 2022-02-04. Review status: criteria provided, single submitter. Criteria: Invitae Variant Classification Sherloc (09022015). Collection method: clinical testing. Allele origin: germline.
Comment: In summary, the available evidence is currently insufficient to determine the role of this variant in disease. Therefore, it has been classified as a Variant of Uncertain Significance. Algorithms developed to predict the effect of missense changes on protein structure and function output the following: SIFT: "Tolerated"; PolyPhen-2: "Benign"; Align-GVGD: "Class C0". The aspartic acid amino acid residue is found in multiple mammalian species, which suggests that this missense change does not adversely affect protein function. ClinVar contains an entry for this variant (Variation ID: 998519). This variant has not been reported in the literature in individuals affected with FANCI-related conditions. This variant is present in population databases (rs760199293, gnomAD 0.002%). This sequence change replaces glutamic acid, which is acidic and polar, with aspartic acid, which is acidic and polar, at codon 1118 of the FANCI protein (p.Glu1118Asp).

Dr. Peter K. Rogan Lab, Western University
No classification provided (evidence only). Condition: Ovarian serous cystadenocarcinoma. Review status: no classification provided. Collection method: in vitro. Allele origin: not applicable. Functional consequence: retained intron. Not counted in ClinVar's aggregate classification.